The following is an entry in ClinVar:

NM_006231.4(POLE):c.5083G>A (p.Gly1695Ser)

Gene: POLE (DNA polymerase epsilon, catalytic subunit; minus strand). Cytogenetic location: 12q24.33.
Variant type: single nucleotide variant.
Coding change: c.5083G>A on transcript NM_006231.4 (MANE Select); coding-DNA position 5083, G replaced by A.
Protein change: p.Gly1695Ser; replaces glycine 1695 with serine.
Molecular consequence: missense variant.
Genome position (GRCh38, 1-based): chr12:132,642,267, C>T on the plus strand (G>A on the coding strand, the complement: POLE is on the minus strand). VCF-style: chr12-132642267-C-T. GRCh37 (hg19) VCF-style: chr12-133218853-C-T.
Other names: c.5083G>A (NM_006231.2); short protein forms G1695S.
Identifiers: ClinVar variation 1389826 (VCV001389826.7), dbSNP rs1457549036, ClinGen allele CA387376993.
Genomic context (GRCh38, chr12:132,642,267, plus strand): 5'-CAACAGTGGCTTGGTCATCGAACTCCATGACAAGACAGTTGTCATCAGCCTCCTTTCCAC[C>T]CAGGTCAGGGCGGGCTGTAGGGGACAGCCAGAGCAGGTGGTTGTGGCGCTGGAGGTGGCG-3'
Protein context (NP_006222.2, residues 1685-1705): WLSPTARPDL[Gly1695Ser]GKEADDNCLV

ClinVar aggregate classification (germline): Uncertain significance. Review status: criteria provided, multiple submitters, no conflicts (2 of 4 stars). 2 submissions from 2 submitters: Uncertain significance (2). Last evaluated 2025-09-29.

Conditions:
Hereditary cancer-predisposing syndrome. Also called: Neoplastic Syndromes, Hereditary; Tumor predisposition; Hereditary neoplastic syndrome; Hereditary Cancer Syndrome. Identifiers: Orphanet 140162, MedGen C0027672, MeSH D009386, MONDO:0015356.

Submissions (2):

Ambry Genetics
Classification: Uncertain significance for Hereditary cancer-predisposing syndrome. Last evaluated: 2025-09-29. Review status: criteria provided, single submitter. Criteria: Ambry Variant Classification Scheme 2023. Collection method: clinical testing. Allele origin: germline.
Comment: The p.G1695S variant (also known as c.5083G>A), located in coding exon 38 of the POLE gene, results from a G to A substitution at nucleotide position 5083. The glycine at codon 1695 is replaced by serine, an amino acid with similar properties. This amino acid position is conserved. In addition, the in silico prediction for this alteration is inconclusive. Based on the available evidence, the clinical significance of this variant remains unclear.

Labcorp Genetics (formerly Invitae), Labcorp
Classification: Uncertain significance. Last evaluated: 2021-10-28. Review status: criteria provided, single submitter. Criteria: Invitae Variant Classification Sherloc (09022015). Collection method: clinical testing. Allele origin: germline.
Comment: In summary, the available evidence is currently insufficient to determine the role of this variant in disease. Therefore, it has been classified as a Variant of Uncertain Significance. This sequence change replaces glycine, which is neutral and non-polar, with serine, which is neutral and polar, at codon 1695 of the POLE protein (p.Gly1695Ser). This variant is not present in population databases (gnomAD no frequency). This variant has not been reported in the literature in individuals affected with POLE-related conditions. Algorithms developed to predict the effect of missense changes on protein structure and function (SIFT, PolyPhen-2, Align-GVGD) all suggest that this variant is likely to be disruptive.